The following is an entry in ClinVar:

NM_006311.4(NCOR1):c.5831A>T (p.Asp1944Val)

Gene: NCOR1 (nuclear receptor corepressor 1; minus strand). Cytogenetic location: 17p12.
Variant type: single nucleotide variant.
Coding change: c.5831A>T on transcript NM_006311.4 (MANE Select); coding-DNA position 5831, A replaced by T.
Protein change: p.Asp1944Val; replaces aspartic acid 1944 with valine.
Molecular consequence: missense variant. On other transcripts: intron variant (1).
Genome position (GRCh38, 1-based): chr17:16,061,451, T>A on the plus strand (A>T on the coding strand, the complement: NCOR1 is on the minus strand). VCF-style: chr17-16061451-T-A. GRCh37 (hg19) VCF-style: chr17-15964765-T-A.
Other names: c.5834A>T, p.Asp1945Val (NM_001439116.1); c.5572+307A>T (NM_001190440.2); c.6053A>T, p.Asp2018Val (NM_001439111.1); c.5909A>T, p.Asp1970Val (NM_001439112.1); c.5906A>T, p.Asp1969Val (NM_001439113.1); c.5882A>T, p.Asp1961Val (NM_001439114.1); c.5879A>T, p.Asp1960Val (NM_001439115.1); short protein forms D1944V, D1945V, D1960V, D1961V, D1969V, D1970V, D2018V.
Identifiers: ClinVar variation 2632202 (VCV002632202.1), dbSNP rs12942684, ClinGen allele CA398408497.

ClinVar aggregate classification (germline): Uncertain significance (1 of 4 stars; one submission).

Conditions:
NCOR1-related disorder. Also called: NCOR1-related condition.

Submission:

PreventionGenetics, part of Exact Sciences
Classification: Uncertain significance for NCOR1-related condition. Last evaluated: 2023-08-07. Review status: criteria provided, single submitter. Criteria: ACMG Guidelines, 2015. Collection method: clinical testing. Allele origin: germline.
Comment: The NCOR1 c.5831A>T variant is predicted to result in the amino acid substitution p.Asp1944Val. To our knowledge, this variant has not been reported in the literature or in a large population database, indicating this variant is rare. At this time, the clinical significance of this variant is uncertain due to the absence of conclusive functional and genetic evidence.